The following is an entry in ClinVar:

ClinVar aggregate classification (germline): Pathogenic (1 of 4 stars; one submission).

Conditions:
Myopathy caused by variation in POMGNT1. Identifiers: MedGen CN305639, MONDO:0700068.

Submission:

Myriad Genetics, Inc.
Classification: Pathogenic for Myopathy caused by variation in POMGNT1. Last evaluated: 2025-06-10. Review status: criteria provided, single submitter. Criteria: Myriad Autosomal Dominant, Autosomal Recessive and X-Linked Classification Criteria (2023). Collection method: clinical testing. Allele origin: unknown.
Comment: NM_017739.3(POMGNT1):c.1697dupT(L567Pfs*19) is expected to be pathogenic in the context of POMGNT1-related disorders. This variant is predicted to lead to an abnormal or absent protein product due to the creation of a premature termination codon in POMGNT1, a gene where loss-of-function variants are known to be pathogenic. Please note: this variant was assessed in the context of healthy population screening.

NM_017739.4(POMGNT1):c.1697dup (p.Leu567fs)

Genes: POMGNT1 (protein O-linked mannose N-acetylglucosaminyltransferase 1 (beta 1,2-); minus strand), TSPAN1 (tetraspanin 1; plus strand). Cytogenetic location: 1p34.1.
Variant type: Duplication.
Coding change: c.1697dup on transcript NM_017739.4 (MANE Select); coding-DNA position 1697, one base duplicated (T; older notation c.1697dupT).
Protein change: p.Leu567fs; shifts the reading frame from leucine 567.
Molecular consequence: frameshift variant.
Genome position (GRCh38, 1-based): chr1:46,189,942, A duplicated on the plus strand (T on the coding strand, the reverse complement: POMGNT1 is on the minus strand); the first of 3 consecutive A bases (chr1:46,189,942-46,189,944); duplicating any one gives the same sequence. VCF-style (leftmost placement, unchanged base first): chr1-46189941-G-GA. GRCh37 (hg19) VCF-style: chr1-46655613-G-GA.
Other names: c.1697dup, p.Leu567fs (NM_001243766.2, NM_001410783.1, NM_001437653.1 and 3 more transcripts); c.1631dup, p.Leu545fs (NM_001290129.3, NM_001438691.1, NM_001438692.1); c.1268dup, p.Leu424fs (NM_001290130.2); short protein forms L424fs, L545fs, L567fs.
Identifiers: ClinVar variation 5014575 (VCV005014575.1).